The following is an entry in ClinVar:

NM_001127217.3(SMAD9):c.1201G>T (p.Gly401Cys)

Gene: SMAD9 (SMAD family member 9; minus strand). Cytogenetic location: 13q13.3.
Variant type: single nucleotide variant.
Coding change: c.1201G>T on transcript NM_001127217.3 (MANE Select); coding-DNA position 1201, G replaced by T.
Protein change: p.Gly401Cys; replaces glycine 401 with cysteine.
Molecular consequence: missense variant.
Genome position (GRCh38, 1-based): chr13:36,853,478, C>A on the plus strand (G>T on the coding strand, the complement: SMAD9 is on the minus strand). VCF-style: chr13-36853478-C-A. GRCh37 (hg19) VCF-style: chr13-37427615-C-A.
Other names: c.1090G>T, p.Gly364Cys (NM_001378621.1, NM_005905.6); short protein forms G401C, G364C.
Identifiers: ClinVar variation 3656726 (VCV003656726.2).
Genomic context (GRCh38, chr13:36,853,478, plus strand): 5'-CCTTAACAAAACTCATCCGGATAGTACACATCTTGGTCAGTTCATACACGACTTCAAAGC[C>A]GTGGTGAACTGACTGGGCCAGGAGCTGAGCGAAGAGCTGGTTGTTGAAGACCTTGAGGCT-3'
Protein context (NP_001120689.1, residues 391-411): AQLLAQSVHH[Gly401Cys]FEVVYELTKM

ClinVar aggregate classification (germline): Uncertain significance (1 of 4 stars; one submission).

Conditions:
Pulmonary hypertension, primary, 2. Identifiers: Orphanet 422, MedGen C3888002, MONDO:0014134, OMIM 615342.

Submission:

Labcorp Genetics (formerly Invitae), Labcorp
Classification: Uncertain significance for Pulmonary hypertension, primary, 2. Last evaluated: 2024-06-22. Review status: criteria provided, single submitter. Criteria: Invitae Variant Classification Sherloc (09022015). Collection method: clinical testing. Allele origin: germline.
Comment: This sequence change replaces glycine, which is neutral and non-polar, with cysteine, which is neutral and slightly polar, at codon 401 of the SMAD9 protein (p.Gly401Cys). This variant is not present in population databases (gnomAD no frequency). This variant has not been reported in the literature in individuals affected with SMAD9-related conditions. Advanced modeling of protein sequence and biophysical properties (such as structural, functional, and spatial information, amino acid conservation, physicochemical variation, residue mobility, and thermodynamic stability) performed at Invitae indicates that this missense variant is expected to disrupt SMAD9 protein function with a positive predictive value of 80%. In summary, the available evidence is currently insufficient to determine the role of this variant in disease. Therefore, it has been classified as a Variant of Uncertain Significance.